The following is an entry in ClinVar:

NM_006208.3(ENPP1):c.2106T>C (p.Ser702=)

Gene: ENPP1 (ectonucleotide pyrophosphatase/phosphodiesterase 1; plus strand). Cytogenetic location: 6q23.2.
Variant type: single nucleotide variant.
Coding change: c.2106T>C on transcript NM_006208.3 (MANE Select); coding-DNA position 2106, T replaced by C.
Protein change: p.Ser702=; no amino-acid change (serine 702 retained).
Molecular consequence: synonymous variant.
Genome position (GRCh38, 1-based): chr6:131,882,350, T>C. VCF-style: chr6-131882350-T-C. GRCh37 (hg19) VCF-style: chr6-132203490-T-C.
Other names: p.Ser702=.
Identifiers: ClinVar variation 355349 (VCV000355349.19), dbSNP rs7750837, ClinGen allele CA4002432.

ClinVar aggregate classification (germline): Benign/Likely benign. Review status: criteria provided, multiple submitters, no conflicts (2 of 4 stars). 6 submissions from 5 submitters: Benign (4); Likely benign (2). Last evaluated 2026-02-02.

Conditions:
Hypophosphatemic rickets, autosomal recessive, 2 (ARHR2). Identifiers: Orphanet 289176, MedGen C2750078, MONDO:0013219, OMIM 613312.
Arterial calcification, generalized, of infancy, 1 (GACI1). Also called: Idiopathic Infantile Arterial Calcification. Identifiers: Orphanet 51608, MedGen C4551985, MONDO:0008817, OMIM 208000.

Allele frequency attached by ClinVar (database versions not stated): gnomAD exomes 0.00160 and 0.00347; ExAC 0.00420; gnomAD 0.01272 and 0.01366; ESP Exome Variant Server 0.01469; TOPMed 0.01476; 1000 Genomes Project 0.01478; 1000 Genomes Project 30x 0.01499.
gnomAD v4.1: 4,323 of 1,600,810 alleles (0.27%); highest among the groups gnomAD compares: African/African-American, 4.5%; 100 homozygotes.

Submissions (6):

Labcorp Genetics (formerly Invitae), Labcorp
Classification: Benign. Last evaluated: 2026-02-02. Review status: criteria provided, single submitter. Criteria: Invitae Variant Classification Sherloc (09022015). Collection method: clinical testing. Allele origin: germline.

Mayo Clinic Laboratories, Mayo Clinic
Classification: Benign. Last evaluated: 2024-01-15. Review status: criteria provided, single submitter. Criteria: ACMG Guidelines, 2015. Collection method: clinical testing. Allele origin: germline. Observed: 4 variant alleles.
Comment: BS1, BS2, BP4, BP7

GeneDx
Classification: Likely benign. Last evaluated: 2020-06-12. Review status: criteria provided, single submitter. Criteria: GeneDx Variant Classification Process June 2021. Collection method: clinical testing. Allele origin: germline. Affected: yes.

Illumina Laboratory Services, Illumina
Classification: Benign for Arterial calcification, generalized, of infancy, 1. Last evaluated: 2018-01-13. Review status: criteria provided, single submitter. Criteria: ICSL Variant Classification Criteria 13 December 2019. Collection method: clinical testing. Allele origin: germline.
Comment: This variant was observed in the ICSL laboratory as part of a predisposition screen in an ostensibly healthy population. It had not been previously curated by ICSL or reported in the Human Gene Mutation Database (HGMD: prior to June 1st, 2018), and was therefore a candidate for classification through an automated scoring system. Utilizing variant allele frequency, disease prevalence and penetrance estimates, and inheritance mode, an automated score was calculated to assess if this variant is too frequent to cause the disease. Based on the score and internal cut-off values, a variant classified as benign is not then subjected to further curation. The score for this variant resulted in a classification of benign for this disease.

Illumina Laboratory Services, Illumina
Classification: Benign for Hypophosphatemic rickets, autosomal recessive, 2. Last evaluated: 2018-01-13. Review status: criteria provided, single submitter. Criteria: ICSL Variant Classification Criteria 13 December 2019. Collection method: clinical testing. Allele origin: germline.
Comment: the same text as in the submission from Illumina Laboratory Services, Illumina above.

Breakthrough Genomics
Classification: Likely benign. Review status: criteria provided, single submitter. Criteria: ACMG Guidelines, 2015. Collection method: not provided. Allele origin: germline. Inheritance: Autosomal recessive inheritance. Affected: yes.